The following is an entry in ClinVar:

ClinVar aggregate classification (germline): Uncertain significance. Review status: criteria provided, multiple submitters, no conflicts (2 of 4 stars). 2 submissions from 2 submitters: Uncertain significance (2). Last evaluated 2022-05-17.

Conditions:
Arterial calcification, generalized, of infancy, 2. Identifiers: Orphanet 51608, MedGen C3276161, MONDO:0013768, OMIM 614473.
Autosomal recessive inherited pseudoxanthoma elasticum (PXE). Identifiers: Orphanet 758, MedGen CN032334, MONDO:0009925, OMIM 264800.
Pseudoxanthoma elasticum, forme fruste. Also called: Pseudoxanthoma Elasticum, Incomplete; PSEUDOXANTHOMA ELASTICUM, HETEROZYGOUS. Identifiers: Orphanet 758, MedGen C1867450, MONDO:0008333, OMIM 177850.

Submissions (2):

Labcorp Genetics (formerly Invitae), Labcorp
Classification: Uncertain significance. Last evaluated: 2022-05-17. Review status: criteria provided, single submitter. Criteria: Invitae Variant Classification Sherloc (09022015). Collection method: clinical testing. Allele origin: germline.
Comment: This sequence change replaces asparagine, which is neutral and polar, with serine, which is neutral and polar, at codon 411 of the ABCC6 protein (p.Asn411Ser). This variant is present in population databases (no rsID available, gnomAD 0.2%). This missense change has been observed in individual(s) with clinical features of ABCC6-related conditions (PMID: 28102862). Algorithms developed to predict the effect of missense changes on protein structure and function are either unavailable or do not agree on the potential impact of this missense change (SIFT: "Not Available"; PolyPhen-2: "Probably Damaging"; Align-GVGD: "Not Available"). In summary, the available evidence is currently insufficient to determine the role of this variant in disease. Therefore, it has been classified as a Variant of Uncertain Significance.

Fulgent Genetics
Classification: Uncertain significance for Pseudoxanthoma elasticum, forme fruste; Autosomal recessive inherited pseudoxanthoma elasticum; Arterial calcification, generalized, of infancy, 2. Last evaluated: 2021-07-06. Review status: criteria provided, single submitter. Criteria: ACMG Guidelines, 2015. Collection method: clinical testing. Allele origin: unknown.

Literature cited by the submitters: PubMed 28102862 (cited by Labcorp Genetics (formerly Invitae), Labcorp).

NM_001171.6(ABCC6):c.1232_1233delinsGC (p.Asn411Ser)

Gene: ABCC6 (ATP binding cassette subfamily C member 6; minus strand). Cytogenetic location: 16p13.11.
Variant type: Indel.
Coding change: c.1232_1233delinsGC on transcript NM_001171.6 (MANE Select); coding-DNA positions 1232 to 1233, AT replaced by GC.
Protein change: p.Asn411Ser; replaces asparagine 411 with serine.
Molecular consequence: missense variant. On other transcripts: non-coding transcript variant (1).
Genome position (GRCh38, 1-based): chr16:16,198,126-16,198,127, AT replaced by GC on the plus strand (AT replaced by GC on the coding strand, the reverse complement: ABCC6 is on the minus strand). VCF-style: chr16-16198126-AT-GC. GRCh37 (hg19) VCF-style: chr16-16291983-AT-GC.
Other names: c.890_891delinsGC, p.Asn297Ser (NM_001351800.1); short protein forms N411S, N297S.
Identifiers: ClinVar variation 1511071 (VCV001511071.6), dbSNP rs2152278438, ClinGen allele CA2573151864.